The following is an entry in ClinVar:

NM_006767.4(LZTR1):c.1786-3C>T

Gene: LZTR1 (leucine zipper like post translational regulator 1; plus strand). Cytogenetic location: 22q11.21.
Variant type: single nucleotide variant.
Coding change: c.1786-3C>T on transcript NM_006767.4 (MANE Select); 3 bases into the intron before coding-DNA position 1786, C replaced by T.
Molecular consequence: intron variant.
Genome position (GRCh38, 1-based): chr22:20,994,867, C>T. VCF-style: chr22-20994867-C-T. GRCh37 (hg19) VCF-style: chr22-21349156-C-T.
Identifiers: ClinVar variation 4101845 (VCV004101845.1).

ClinVar aggregate classification (germline): Uncertain significance (1 of 4 stars; one submission).

Conditions:
Cardiovascular phenotype. Identifiers: MedGen CN230736.
Hereditary cancer-predisposing syndrome. Also called: Tumor predisposition; Neoplastic Syndromes, Hereditary; Hereditary neoplastic syndrome; Hereditary Cancer Syndrome. Identifiers: Orphanet 140162, MedGen C0027672, MeSH D009386, MONDO:0015356.

Submission:

Ambry Genetics
Classification: Uncertain significance for Cardiovascular phenotype; Hereditary cancer-predisposing syndrome. Last evaluated: 2025-07-18. Review status: criteria provided, single submitter. Criteria: Ambry Variant Classification Scheme 2023. Collection method: clinical testing. Allele origin: germline.
Comment: The c.1786-3C>T intronic variant results from a C to T substitution 3 nucleotides upstream from coding exon 16 in the LZTR1 gene. This nucleotide position is well conserved in available vertebrate species. In silico splice site analysis predicts that this alteration will not have any significant effect on splicing. Based on the available evidence, the clinical significance of this variant remains unclear.